The following is an entry in ClinVar:

ClinVar aggregate classification (germline): Uncertain significance (1 of 4 stars; one submission).

Conditions:
Evans syndrome, immunodeficiency, and premature immunosenescence associated with tripeptidyl-peptidase II deficiency. Identifiers: MedGen CN231723. Disease mechanism: loss of function.

Submission:

Labcorp Genetics (formerly Invitae), Labcorp
Classification: Uncertain significance for Evans syndrome, immunodeficiency, and premature immunosenescence associated with tripeptidyl-peptidase II deficiency. Last evaluated: 2025-12-24. Review status: criteria provided, single submitter. Criteria: Invitae Variant Classification Sherloc (09022015). Collection method: clinical testing. Allele origin: germline.
Comment: This sequence change affects codon 415 of the TPP2 mRNA. It is a 'silent' change, meaning that it does not change the encoded amino acid sequence of the TPP2 protein. It affects a nucleotide within the consensus splice site. This variant is not present in population databases (gnomAD no frequency). This variant has not been reported in the literature in individuals affected with TPP2-related conditions. Algorithms developed to predict the effect of sequence changes on RNA splicing suggest that this variant is not likely to affect RNA splicing. In summary, the available evidence is currently insufficient to determine the role of this variant in disease. Therefore, it has been classified as a Variant of Uncertain Significance.

NM_001330588.2(TPP2):c.1245T>C (p.Ser415=)

Gene: TPP2 (tripeptidyl peptidase 2; plus strand). Cytogenetic location: 13q33.1.
Variant type: single nucleotide variant.
Coding change: c.1245T>C on transcript NM_001330588.2 (MANE Select); coding-DNA position 1245, T replaced by C.
Protein change: p.Ser415=; no amino-acid change (serine 415 retained).
Molecular consequence: synonymous variant. On other transcripts: non-coding transcript variant (1).
Genome position (GRCh38, 1-based): chr13:102,633,950, T>C. VCF-style: chr13-102633950-T-C. GRCh37 (hg19) VCF-style: chr13-103286300-T-C.
Other names: c.1245T>C, p.Ser415= (NM_001367947.1, NM_003291.4).
Identifiers: ClinVar variation 4804081 (VCV004804081.1).